The following is an entry in ClinVar:

ClinVar aggregate classification (germline): Uncertain significance. Review status: criteria provided, multiple submitters, no conflicts (2 of 4 stars). 2 submissions from 2 submitters: Uncertain significance (2). Last evaluated 2026-01-22.

Conditions:
RASopathy. Also called: rasopathies; Noonan spectrum disorder. Identifiers: Orphanet 536391, MedGen C5555857, MONDO:0021060.

Submissions (2):

GeneDx
Classification: Uncertain significance. Last evaluated: 2026-01-22. Review status: criteria provided, single submitter. Criteria: GeneDx Variant Classification Process June 2021. Collection method: clinical testing. Allele origin: germline.
Comment: In silico analysis suggests that this missense variant does not alter protein structure/function; Has not been previously published as pathogenic or benign to our knowledge; This variant is associated with the following publications: (PMID: 20619386, 11067845)

Labcorp Genetics (formerly Invitae), Labcorp
Classification: Uncertain significance for RASopathy. Last evaluated: 2024-11-02. Review status: criteria provided, single submitter. Criteria: Invitae Variant Classification Sherloc (09022015). Collection method: clinical testing. Allele origin: germline.
Comment: This sequence change replaces glutamic acid, which is acidic and polar, with glutamine, which is neutral and polar, at codon 658 of the CBL protein (p.Glu658Gln). This variant is not present in population databases (gnomAD no frequency). This variant has not been reported in the literature in individuals affected with CBL-related conditions. Invitae Evidence Modeling of protein sequence and biophysical properties (such as structural, functional, and spatial information, amino acid conservation, physicochemical variation, residue mobility, and thermodynamic stability) indicates that this missense variant is not expected to disrupt CBL protein function with a negative predictive value of 95%. In summary, the available evidence is currently insufficient to determine the role of this variant in disease. Therefore, it has been classified as a Variant of Uncertain Significance.

NM_005188.4(CBL):c.1972G>C (p.Glu658Gln)

Gene: CBL (Cbl proto-oncogene; plus strand). Cytogenetic location: 11q23.3.
Variant type: single nucleotide variant.
Coding change: c.1972G>C on transcript NM_005188.4 (MANE Select); coding-DNA position 1972, G replaced by C.
Protein change: p.Glu658Gln; replaces glutamic acid 658 with glutamine.
Molecular consequence: missense variant.
Genome position (GRCh38, 1-based): chr11:119,287,882, G>C. VCF-style: chr11-119287882-G-C. GRCh37 (hg19) VCF-style: chr11-119158592-G-C.
Other names: c.1972G>C (NM_005188.2); short protein forms E658Q.
Identifiers: ClinVar variation 3634399 (VCV003634399.3).
Genomic context (GRCh38, chr11:119,287,882, plus strand): 5'-TGTTTTTCAACACTTTTCTTTACTTTCCAGAGTATGAATAGCAGCCCATTAGTAGGTCCA[G>C]AGTGTGACCACCCCAAAATCAAACCTTCCTCATCTGCCAATGCCATTTATTCTCTGGCTG-3'
Protein context (NP_005179.2, residues 648-668): SMNSSPLVGP[Glu658Gln]CDHPKIKPSS